The following is an entry in ClinVar:

NM_007294.4(BRCA1):c.5182dup (p.Met1728fs)

Gene: BRCA1 (BRCA1 DNA repair associated; minus strand). Cytogenetic location: 17q21.31.
Variant type: Duplication.
Coding change: c.5182dup on transcript NM_007294.4 (MANE Select); coding-DNA position 5182, one base duplicated (A; older notation c.5182dupA).
Protein change: p.Met1728fs; shifts the reading frame from methionine 1728.
Molecular consequence: frameshift variant. On other transcripts: non-coding transcript variant (1).
Genome position (GRCh38, 1-based): chr17:43,063,344, T duplicated on the plus strand (A on the coding strand, the reverse complement: BRCA1 is on the minus strand); the first of 5 consecutive T bases (chr17:43,063,344-43,063,348); duplicating any one gives the same sequence. VCF-style (leftmost placement, unchanged base first): chr17-43063343-A-AT. GRCh37 (hg19) VCF-style: chr17-41215360-A-AT.
Other names: c.5182dupA (NM_007294.3); c.5094dup, p.Met1700Asnfs (NM_001407660.1, NM_001407661.1, NM_001407662.1 and 2 more transcripts); c.5055dup, p.Met1687Asnfs (NM_001407664.1, NM_001407665.1, NM_001407666.1 and 6 more transcripts); c.5052dup, p.Met1686Asnfs (NM_001407670.1, NM_001407671.1, NM_001407672.1 and 10 more transcripts); c.5049dup, p.Met1685Asnfs (NM_001407681.1, NM_001407682.1, NM_001407683.1 and 6 more transcripts); c.5178dup, p.Met1728Asnfs (NM_001407684.1, NM_001407854.1, NM_001407593.1 and 7 more transcripts); c.5046dup, p.Met1684Asnfs (NM_001407690.1, NM_001407691.1); c.5037dup, p.Met1681Asnfs (NM_001407692.1, NM_001407694.1, NM_001407695.1 and 12 more transcripts); and 76 more; short protein forms M624fs, M1681fs, M1749fs, M1728fs.
Identifiers: ClinVar variation 571641 (VCV000571641.9), dbSNP rs34570933, ClinGen allele CA290825090.

ClinVar aggregate classification (germline): Pathogenic. Review status: criteria provided, multiple submitters, no conflicts (2 of 4 stars). 2 submissions from 2 submitters: Pathogenic (2). Last evaluated 2023-09-21.

Conditions:
Breast-ovarian cancer, familial, susceptibility to, 1 (BROVCA1). Also called: BRCA1 Hereditary Breast and Ovarian Cancer; OVARIAN CANCER, SUSCEPTIBILITY TO. Identifiers: Orphanet 145, MedGen C2676676, MONDO:0011450, OMIM 604370. Disease mechanism: loss of function.
Hereditary breast ovarian cancer syndrome. Also called: Hereditary breast and ovarian cancer; Hereditary breast and ovarian cancer syndrome; Hereditary breast and ovarian cancer syndrome (HBOC); Breast and ovarian cancer; BRCA1- and BRCA2-Associated Hereditary Breast and Ovarian Cancer; Hereditary breast and/or ovarian cancer syndrome. Identifiers: Orphanet 145, MedGen C0677776, MeSH D061325, MONDO:0003582. Disease mechanism: loss of function.

Submissions (2):

Myriad Genetics, Inc.
Classification: Pathogenic for Breast-ovarian cancer, familial, susceptibility to, 1. Last evaluated: 2023-09-21. Review status: criteria provided, single submitter. Criteria: Myriad Autosomal Dominant, Autosomal Recessive and X-Linked Classification Criteria (2023). Collection method: clinical testing. Allele origin: unknown.
Comment: This variant is considered pathogenic. This variant creates a frameshift predicted to result in premature protein truncation.

Labcorp Genetics (formerly Invitae), Labcorp
Classification: Pathogenic for Hereditary breast ovarian cancer syndrome. Last evaluated: 2022-07-02. Review status: criteria provided, single submitter. Criteria: Invitae Variant Classification Sherloc (09022015). Collection method: clinical testing. Allele origin: germline.
Comment: For these reasons, this variant has been classified as Pathogenic. ClinVar contains an entry for this variant (Variation ID: 571641). This variant has not been reported in the literature in individuals affected with BRCA1-related conditions. This variant is not present in population databases (gnomAD no frequency). This sequence change creates a premature translational stop signal (p.Met1728Asnfs*4) in the BRCA1 gene. It is expected to result in an absent or disrupted protein product. Loss-of-function variants in BRCA1 are known to be pathogenic (PMID: 20104584).

Literature cited by the submitters: PubMed 20104584 (cited by Labcorp Genetics (formerly Invitae), Labcorp).